The following is an entry in ClinVar:

NM_014921.5(ADGRL1):c.1189A>G (p.Ser397Gly)

Genes: ADGRL1 (adhesion G protein-coupled receptor L1; minus strand), ADGRL1-AS1 (ADGRL1 antisense RNA 1; plus strand). Cytogenetic location: 19p13.12.
Variant type: single nucleotide variant.
Coding change: c.1189A>G on transcript NM_014921.5 (MANE Select); coding-DNA position 1189, A replaced by G.
Protein change: p.Ser397Gly; replaces serine 397 with glycine.
Molecular consequence: missense variant.
Genome position (GRCh38, 1-based): chr19:14,162,612, T>C on the plus strand (A>G on the coding strand, the complement: ADGRL1 is on the minus strand). VCF-style: chr19-14162612-T-C. GRCh37 (hg19) VCF-style: chr19-14273424-T-C.
Other names: c.1204A>G, p.Ser402Gly (NM_001008701.3); short protein forms S397G, S402G.
Identifiers: ClinVar variation 2484295 (VCV002484295.3), dbSNP rs1290863804, ClinGen allele CA404411660.

ClinVar aggregate classification (germline): Uncertain significance (1 of 4 stars; one submission).

Conditions:
Inborn genetic diseases. Identifiers: MedGen C0950123, MeSH D030342.

Allele frequency attached by ClinVar (database versions not stated): gnomAD 0.00001; TOPMed 0.00003.
gnomAD v4.1: 6 of 1,604,494 alleles (0.00037%); highest among the groups gnomAD compares: Middle Eastern, 0.017%; no homozygotes.

Submission:

Ambry Genetics
Classification: Uncertain significance for Inborn genetic diseases. Last evaluated: 2025-11-26. Review status: criteria provided, single submitter. Criteria: Ambry Variant Classification Scheme 2023. Collection method: clinical testing. Allele origin: germline.
Comment: The c.1204A>G (p.S402G) alteration is located in exon 6 (coding exon 5) of the ADGRL1 gene. This alteration results from a A to G substitution at nucleotide position 1204, causing the serine (S) at amino acid position 402 to be replaced by a glycine (G). Based on data from gnomAD, the G allele has an overall frequency of 0.003% (1/31388) total alleles studied. The highest observed frequency was 0.012% (1/8714) of African alleles. Based on insufficient or conflicting evidence, the clinical significance of this alteration remains unclear.